The following is an entry in ClinVar:

NM_000023.4(SGCA):c.312G>A (p.Glu104=)

Gene: SGCA (sarcoglycan alpha; plus strand). Cytogenetic location: 17q21.33.
Variant type: single nucleotide variant.
Coding change: c.312G>A on transcript NM_000023.4 (MANE Select); coding-DNA position 312, G replaced by A.
Protein change: p.Glu104=; no amino-acid change (glutamic acid 104 retained).
Molecular consequence: synonymous variant. On other transcripts: non-coding transcript variant (1).
Genome position (GRCh38, 1-based): chr17:50,167,736, G>A. VCF-style: chr17-50167736-G-A. GRCh37 (hg19) VCF-style: chr17-48245097-G-A.
Other names: c.312G>A, p.Glu104= (NM_001135697.3).
Identifiers: ClinVar variation 290254 (VCV000290254.8), dbSNP rs886044401, ClinGen allele CA10606710.

ClinVar aggregate classification (germline): Uncertain significance. Review status: criteria provided, multiple submitters, no conflicts (2 of 4 stars). 3 submissions from 3 submitters: Uncertain significance (3). Last evaluated 2023-02-08.

Conditions:
Autosomal recessive limb-girdle muscular dystrophy type 2D (LGMDR3). Also called: DUCHENNE-LIKE AUTOSOMAL RECESSIVE MUSCULAR DYSTROPHY, TYPE 2; ADHALINOPATHY, PRIMARY; MUSCULAR DYSTROPHY, LIMB-GIRDLE, AUTOSOMAL RECESSIVE 3. Identifiers: Orphanet 62, MedGen C2936332, MONDO:0011968, OMIM 608099. Disease mechanism: Affects gamma-sarcoglycan and also disrupts the integrity of the entire sarcoglycan complex..

Allele frequency attached by ClinVar (database versions not stated): TOPMed 0.00001.

Submissions (3):

Genome-Nilou Lab
Classification: Uncertain significance for Autosomal recessive limb-girdle muscular dystrophy type 2D. Last evaluated: 2023-02-08. Review status: criteria provided, single submitter. Criteria: ACMG Guidelines, 2015. Collection method: clinical testing. Allele origin: germline.

Labcorp Genetics (formerly Invitae), Labcorp
Classification: Uncertain significance for Autosomal recessive limb-girdle muscular dystrophy type 2D. Last evaluated: 2021-08-26. Review status: criteria provided, single submitter. Criteria: Invitae Variant Classification Sherloc (09022015). Collection method: clinical testing. Allele origin: germline.
Comment: This sequence change affects codon 104 of the SGCA mRNA. It is a 'silent' change, meaning that it does not change the encoded amino acid sequence of the SGCA protein. This variant also falls at the last nucleotide of exon 3, which is part of the consensus splice site for this exon. This variant is not present in population databases (ExAC no frequency). This variant has not been reported in the literature in individuals affected with SGCA-related conditions. ClinVar contains an entry for this variant (Variation ID: 290254). Nucleotide substitutions within the consensus splice site are a relatively common cause of aberrant splicing (PMID: 17576681, 9536098). Algorithms developed to predict the effect of sequence changes on RNA splicing suggest that this variant may disrupt the consensus splice site. In summary, the available evidence is currently insufficient to determine the role of this variant in disease. Therefore, it has been classified as a Variant of Uncertain Significance.

Eurofins Ntd Llc (ga)
Classification: Uncertain significance. Last evaluated: 2016-09-11. Review status: criteria provided, single submitter. Criteria: EGL Classification Definitions 2015. Collection method: clinical testing. Allele origin: germline. Observed: 2 variant alleles, 2 heterozygotes.

Literature cited by the submitters: PubMed 17576681 (cited by Labcorp Genetics (formerly Invitae), Labcorp); PubMed 9536098 (cited by Labcorp Genetics (formerly Invitae), Labcorp).